The following is an entry in ClinVar:

NM_003070.5(SMARCA2):c.3274C>G (p.Leu1092Val)

Gene: SMARCA2 (SWI/SNF related BAF chromatin remodeling complex subunit ATPase 2; plus strand). Cytogenetic location: 9p24.3.
Variant type: single nucleotide variant.
Coding change: c.3274C>G on transcript NM_003070.5 (MANE Select); coding-DNA position 3274, C replaced by G.
Protein change: p.Leu1092Val; replaces leucine 1092 with valine.
Molecular consequence: missense variant.
Genome position (GRCh38, 1-based): chr9:2,104,151, C>G. VCF-style: chr9-2104151-C-G. GRCh37 (hg19) VCF-style: chr9-2104151-C-G.
Other names: c.3274C>G, p.Leu1092Val (NM_001289396.2, NM_139045.4); c.3100C>G, p.Leu1034Val (NM_001289397.2); short protein forms L1034V, L1092V.
Identifiers: ClinVar variation 1202936 (VCV001202936.7), dbSNP rs755946240, ClinGen allele CA4963723.

ClinVar aggregate classification (germline): Conflicting classifications of pathogenicity. Review status: criteria provided, conflicting classifications (1 of 4 stars). 4 submissions from 4 submitters: Uncertain significance (2); Likely benign (2). Last evaluated 2025-12-09.

Conditions:
Inborn genetic diseases. Identifiers: MedGen C0950123, MeSH D030342.

Allele frequency attached by ClinVar (database versions not stated): ExAC 0.00012; TOPMed 0.00010; gnomAD exomes 0.00006; gnomAD 0.00001.
gnomAD v4.1: 19 of 1,613,888 alleles (0.0012%); highest among the groups gnomAD compares: Admixed American, 0.028%; no homozygotes.

Submissions (4):

Ambry Genetics
Classification: Likely benign for Inborn genetic diseases. Last evaluated: 2025-12-09. Review status: criteria provided, single submitter. Criteria: Ambry Variant Classification Scheme 2023. Collection method: clinical testing. Allele origin: germline.

Labcorp Genetics (formerly Invitae), Labcorp
Classification: Uncertain significance. Last evaluated: 2025-04-08. Review status: criteria provided, single submitter. Criteria: Invitae Variant Classification Sherloc (09022015). Collection method: clinical testing. Allele origin: germline.
Comment: This sequence change replaces leucine, which is neutral and non-polar, with valine, which is neutral and non-polar, at codon 1092 of the SMARCA2 protein (p.Leu1092Val). This variant is present in population databases (rs755946240, gnomAD 0.03%), and has an allele count higher than expected for a pathogenic variant. This variant has not been reported in the literature in individuals affected with SMARCA2-related conditions. ClinVar contains an entry for this variant (Variation ID: 1202936). Invitae Evidence Modeling of protein sequence and biophysical properties (such as structural, functional, and spatial information, amino acid conservation, physicochemical variation, residue mobility, and thermodynamic stability) indicates that this missense variant is not expected to disrupt SMARCA2 protein function with a negative predictive value of 80%. In summary, the available evidence is currently insufficient to determine the role of this variant in disease. Therefore, it has been classified as a Variant of Uncertain Significance.

Women's Health and Genetics/Laboratory Corporation of America, LabCorp
Classification: Uncertain significance. Last evaluated: 2024-05-23. Review status: criteria provided, single submitter. Criteria: LabCorp Variant Classification Summary - May 2015. Collection method: clinical testing. Allele origin: germline.
Comment: Variant summary: SMARCA2 c.3274C>G (p.Leu1092Val) results in a conservative amino acid change located in the Helicase, C-terminal domain-like domain (IPR001650) of the encoded protein sequence. Four of five in-silico tools predict a benign effect of the variant on protein function. The variant allele was found at a frequency of 1.2e-05 in 1613888 control chromosomes. This frequency is not significantly higher than estimated for a pathogenic variant in SMARCA2 causing Nicolaides-Baraitser Syndrome, allowing no conclusion about variant significance. To our knowledge, no occurrence of c.3274C>G in individuals affected with Nicolaides-Baraitser Syndrome and no experimental evidence demonstrating its impact on protein function have been reported. ClinVar contains an entry for this variant (Variation ID: 1202936). Based on the evidence outlined above, the variant was classified as VUS-possibly benign.

GeneDx
Classification: Likely benign. Last evaluated: 2019-10-07. Review status: criteria provided, single submitter. Criteria: GeneDx Variant Classification Process June 2021. Collection method: clinical testing. Allele origin: germline. Affected: yes.